The following is an entry in ClinVar:

ClinVar aggregate classification (germline): Uncertain significance (1 of 4 stars; one submission).

gnomAD v4.1: 9 of 1,609,596 alleles (0.00056%); highest among the groups gnomAD compares: Admixed American, 0.0017%; no homozygotes.

Submission:

Labcorp Genetics (formerly Invitae), Labcorp
Classification: Uncertain significance. Last evaluated: 2021-03-29. Review status: criteria provided, single submitter. Criteria: Invitae Variant Classification Sherloc (09022015). Collection method: clinical testing. Allele origin: germline.
Comment: This sequence change falls in intron 9 of the CACNA2D4 gene. It does not directly change the encoded amino acid sequence of the CACNA2D4 protein. It affects a nucleotide within the consensus splice site of the intron. This variant is present in population databases (rs751447536, ExAC 0.01%). This variant has not been reported in the literature in individuals with CACNA2D4-related conditions. Nucleotide substitutions within the consensus splice site are a relatively common cause of aberrant splicing (PMID: 17576681, 9536098). Algorithms developed to predict the effect of sequence changes on RNA splicing suggest that this variant is not likely to affect RNA splicing, but this prediction has not been confirmed by published transcriptional studies. In summary, the available evidence is currently insufficient to determine the role of this variant in disease. Therefore, it has been classified as a Variant of Uncertain Significance.

Literature cited by the submitters: PubMed 17576681; PubMed 9536098.

NM_172364.5(CACNA2D4):c.1068+3G>A

Gene: CACNA2D4 (calcium voltage-gated channel auxiliary subunit alpha2delta 4; minus strand). Cytogenetic location: 12p13.33.
Variant type: single nucleotide variant.
Coding change: c.1068+3G>A on transcript NM_172364.5 (MANE Select); 3 bases into the intron after coding-DNA position 1068, G replaced by A.
Molecular consequence: intron variant.
Genome position (GRCh38, 1-based): chr12:1,885,962, C>T on the plus strand (G>A on the coding strand, the complement: CACNA2D4 is on the minus strand). VCF-style: chr12-1885962-C-T. GRCh37 (hg19) VCF-style: chr12-1995128-C-T.
Identifiers: ClinVar variation 1467757 (VCV001467757.6), dbSNP rs751447536, ClinGen allele CA6387301.